The following is an entry in ClinVar:

ClinVar aggregate classification (germline): Uncertain significance (1 of 4 stars; one submission).

Allele frequency attached by ClinVar (database versions not stated): ExAC 0.00002; TOPMed below 0.00001; gnomAD exomes below 0.00001.
gnomAD v4.1: 3 of 1,614,012 alleles (0.00019%); highest among the groups gnomAD compares: Non-Finnish European, 0.00025%; no homozygotes.

Submission:

Labcorp Genetics (formerly Invitae), Labcorp
Classification: Uncertain significance. Last evaluated: 2025-03-31. Review status: criteria provided, single submitter. Criteria: Invitae Variant Classification Sherloc (09022015). Collection method: clinical testing. Allele origin: germline.
Comment: This sequence change replaces proline, which is neutral and non-polar, with leucine, which is neutral and non-polar, at codon 402 of the RUNX2 protein (p.Pro402Leu). This variant is present in population databases (rs770452837, gnomAD 0.002%). This variant has not been reported in the literature in individuals affected with RUNX2-related conditions. ClinVar contains an entry for this variant (Variation ID: 2827490). Invitae Evidence Modeling of protein sequence and biophysical properties (such as structural, functional, and spatial information, amino acid conservation, physicochemical variation, residue mobility, and thermodynamic stability) indicates that this missense variant is not expected to disrupt RUNX2 protein function with a negative predictive value of 80%. In summary, the available evidence is currently insufficient to determine the role of this variant in disease. Therefore, it has been classified as a Variant of Uncertain Significance.

NM_001024630.4(RUNX2):c.1205C>T (p.Pro402Leu)

Gene: RUNX2 (RUNX family transcription factor 2; plus strand). Cytogenetic location: 6p21.1.
Variant type: single nucleotide variant.
Coding change: c.1205C>T on transcript NM_001024630.4 (MANE Select); coding-DNA position 1205, C replaced by T.
Protein change: p.Pro402Leu; replaces proline 402 with leucine.
Molecular consequence: missense variant.
Genome position (GRCh38, 1-based): chr6:45,546,944, C>T. VCF-style: chr6-45546944-C-T. GRCh37 (hg19) VCF-style: chr6-45514681-C-T.
Other names: c.1139C>T, p.Pro380Leu (NM_001015051.4); c.1097C>T, p.Pro366Leu (NM_001278478.2); c.1163C>T, p.Pro388Leu (NM_001369405.1, NM_004348.3); short protein forms P388L, P366L, P380L, P402L.
Identifiers: ClinVar variation 2827490 (VCV002827490.3), dbSNP rs770452837, ClinGen allele CA3836592.
Genomic context (GRCh38, chr6:45,546,944, plus strand): 5'-TCACTGAGAGCCGCTTCTCCAACCCACGAATGCACTATCCAGCCACCTTTACTTACACCC[C>T]GCCAGTCACCTCAGGCATGTCCCTCGGTATGTCCGCCACCACTCACTACCACACCTACCT-3'
Protein context (NP_001019801.3, residues 392-412): MHYPATFTYT[Pro402Leu]PVTSGMSLGM